The following is an entry in ClinVar:

NM_020806.5(GPHN):c.922G>C (p.Ala308Pro)

Gene: GPHN (gephyrin; plus strand). Cytogenetic location: 14q23.3.
Variant type: single nucleotide variant.
Coding change: c.922G>C on transcript NM_020806.5 (MANE Select); coding-DNA position 922, G replaced by C.
Protein change: p.Ala308Pro; replaces alanine 308 with proline.
Molecular consequence: missense variant.
Genome position (GRCh38, 1-based): chr14:66,965,284, G>C. VCF-style: chr14-66965284-G-C. GRCh37 (hg19) VCF-style: chr14-67432001-G-C.
Other names: c.823G>C, p.Ala275Pro (NM_001024218.2, NM_001377515.1, NM_001377516.1 and 2 more transcripts); c.862G>C, p.Ala288Pro (NM_001377514.1, NM_001377519.1); short protein forms A308P, A288P, A275P.
Identifiers: ClinVar variation 1524574 (VCV001524574.6), dbSNP rs2069243517, ClinGen allele CA390257555.

ClinVar aggregate classification (germline): Uncertain significance (1 of 4 stars; one submission).

Conditions:
Sulfite oxidase deficiency due to molybdenum cofactor deficiency type C. Also called: Molybdenum cofactor deficiency, complementation group C; Molybdenum cofactor deficiency C. Identifiers: Orphanet 308400, Orphanet 833, MedGen C1854990, MONDO:0014212, OMIM 615501.

Submission:

Labcorp Genetics (formerly Invitae), Labcorp
Classification: Uncertain significance for Sulfite oxidase deficiency due to molybdenum cofactor deficiency type C. Last evaluated: 2021-08-05. Review status: criteria provided, single submitter. Criteria: Invitae Variant Classification Sherloc (09022015). Collection method: clinical testing. Allele origin: germline.
Comment: In summary, the available evidence is currently insufficient to determine the role of this variant in disease. Therefore, it has been classified as a Variant of Uncertain Significance. Algorithms developed to predict the effect of missense changes on protein structure and function are either unavailable or do not agree on the potential impact of this missense change (SIFT: "Tolerated"; PolyPhen-2: "Probably Damaging"; Align-GVGD: "Class C0"). This variant has not been reported in the literature in individuals affected with GPHN-related conditions. This variant is not present in population databases (ExAC no frequency). This sequence change replaces alanine with proline at codon 308 of the GPHN protein (p.Ala308Pro). The alanine residue is moderately conserved and there is a small physicochemical difference between alanine and proline.